The following is an entry in ClinVar:

ClinVar aggregate classification (germline): Uncertain significance. Review status: criteria provided, multiple submitters, no conflicts (2 of 4 stars). 2 submissions from 2 submitters: Uncertain significance (2). Last evaluated 2025-10-10.

Allele frequency attached by ClinVar (database versions not stated): gnomAD exomes 0.00002 and 0.00003; TOPMed 0.00005; gnomAD 0.00001; ExAC 0.00003.
gnomAD v4.1: 46 of 1,614,070 alleles (0.0028%); highest among the groups gnomAD compares: Middle Eastern, 0.38%; no homozygotes.

Submissions (2):

Labcorp Genetics (formerly Invitae), Labcorp
Classification: Uncertain significance. Last evaluated: 2025-10-10. Review status: criteria provided, single submitter. Criteria: Invitae Variant Classification Sherloc (09022015). Collection method: clinical testing. Allele origin: germline.
Comment: This sequence change replaces aspartic acid, which is acidic and polar, with glycine, which is neutral and non-polar, at codon 158 of the ANKRD26 protein (p.Asp158Gly). This variant is present in population databases (rs773512016, gnomAD 0.03%). This missense change has been observed in individual(s) with thrombocytopenia (PMID: 23869080). ClinVar contains an entry for this variant (Variation ID: 1303179). An algorithm developed to predict the effect of missense changes on protein structure and function (PolyPhen-2) suggests that this variant is likely to be tolerated. In summary, the available evidence is currently insufficient to determine the role of this variant in disease. Therefore, it has been classified as a Variant of Uncertain Significance.

GeneDx
Classification: Uncertain significance. Last evaluated: 2024-04-26. Review status: criteria provided, single submitter. Criteria: GeneDx Variant Classification Process June 2021. Collection method: clinical testing. Allele origin: germline. Affected: yes.
Comment: In silico analysis indicates that this missense variant does not alter protein structure/function; Observed in related individuals with thrombocytopenia (PMID: 23869080); This variant is associated with the following publications: (PMID: 26693794, 27884173, 32351539, 35751752, 37393344, 23869080)

Literature cited by the submitters: PubMed 23869080 (cited by Labcorp Genetics (formerly Invitae), Labcorp).

NM_014915.3(ANKRD26):c.473A>G (p.Asp158Gly)

Gene: ANKRD26 (ankyrin repeat domain 26; minus strand). Cytogenetic location: 10p12.1.
Variant type: single nucleotide variant.
Coding change: c.473A>G on transcript NM_014915.3 (MANE Select); coding-DNA position 473, A replaced by G.
Protein change: p.Asp158Gly; replaces aspartic acid 158 with glycine.
Molecular consequence: missense variant.
Genome position (GRCh38, 1-based): chr10:27,093,407, T>C on the plus strand (A>G on the coding strand, the complement: ANKRD26 is on the minus strand). VCF-style: chr10-27093407-T-C. GRCh37 (hg19) VCF-style: chr10-27382336-T-C.
Other names: c.473A>G, p.Asp158Gly (NM_001256053.2); short protein forms D158G.
Identifiers: ClinVar variation 1303179 (VCV001303179.8), dbSNP rs773512016, ClinGen allele CA5448933.